The following is an entry in ClinVar:

ClinVar aggregate classification (germline): Uncertain significance (1 of 4 stars; one submission).

Conditions:
Beckwith-Wiedemann syndrome (BWS). Also called: Exomphalos macroglossia gigantism syndrome; EMG SYNDROME. Identifiers: Orphanet 116, MedGen C0004903, MONDO:0007534, OMIM 130650.

Submission:

St. Jude Molecular Pathology, St. Jude Children's Research Hospital
Classification: Uncertain significance for Beckwith-Wiedemann syndrome. Last evaluated: 2024-07-25. Review status: criteria provided, single submitter. Criteria: St. Jude Assertion Criteria 2020. Collection method: clinical testing. Allele origin: germline.
Comment: The CDKN1C c.682G>A (p.Ala228Thr) missense change is absent in gnomAD v2.1.1. The in silico tool REVEL predicts a benign effect on protein function, but to our knowledge, this prediction has not been confirmed by functional studies. To our knowledge, this variant has not been reported in individuals with Beckwith-Wiedemann syndrome or IMAGE syndrome. In summary, the evidence currently available is insufficient to determine the clinical significance of this variant. It has therefore been classified as of uncertain significance.

NM_001122630.2(CDKN1C):c.649G>A (p.Ala217Thr)

Gene: CDKN1C (cyclin dependent kinase inhibitor 1C; minus strand). Cytogenetic location: 11p15.4.
Variant type: single nucleotide variant.
Coding change: c.649G>A on transcript NM_001122630.2 (MANE Select); coding-DNA position 649, G replaced by A.
Protein change: p.Ala217Thr; replaces alanine 217 with threonine.
Molecular consequence: missense variant. On other transcripts: intron variant (1).
Genome position (GRCh38, 1-based): chr11:2,884,808, C>T on the plus strand (G>A on the coding strand, the complement: CDKN1C is on the minus strand). VCF-style: chr11-2884808-C-T. GRCh37 (hg19) VCF-style: chr11-2906038-C-T.
Other names: c.682G>A, p.Ala228Thr (NM_000076.2, NM_001362474.2); c.649G>A, p.Ala217Thr (NM_001122631.2); c.255+394G>A (NM_001362475.2); short protein forms A217T, A228T.
Identifiers: ClinVar variation 3602714 (VCV003602714.1).